The following is an entry in ClinVar:

NM_001375524.1(TRRAP):c.5383G>A (p.Gly1795Arg)

Gene: TRRAP (transformation/transcription domain associated protein; plus strand). Cytogenetic location: 7q22.1.
Variant type: single nucleotide variant.
Coding change: c.5383G>A on transcript NM_001375524.1 (MANE Select); coding-DNA position 5383, G replaced by A.
Protein change: p.Gly1795Arg; replaces glycine 1795 with arginine.
Molecular consequence: missense variant.
Genome position (GRCh38, 1-based): chr7:98,950,924, G>A. VCF-style: chr7-98950924-G-A. GRCh37 (hg19) VCF-style: chr7-98548547-G-A.
Other names: c.5362G>A, p.Gly1788Arg (NM_001244580.2); c.5308G>A, p.Gly1770Arg (NM_003496.4); short protein forms G1770R, G1788R, G1795R.
Identifiers: ClinVar variation 2663665 (VCV002663665.2), dbSNP rs2484858762, ClinGen allele CA368318357.

ClinVar aggregate classification (germline): Uncertain significance (1 of 4 stars; one submission).

Allele frequency attached by ClinVar (database versions not stated): gnomAD exomes below 0.00001.
gnomAD v4.1: 1 of 1,606,522 alleles (0.000062%); highest among the groups gnomAD compares: Non-Finnish European, 0.000085%; no homozygotes.

Submission:

GeneDx
Classification: Uncertain significance. Last evaluated: 2025-01-15. Review status: criteria provided, single submitter. Criteria: GeneDx Variant Classification Process June 2021. Collection method: clinical testing. Allele origin: germline.
Comment: Not observed at significant frequency in large population cohorts (gnomAD); In silico analysis supports that this missense variant has a deleterious effect on protein structure/function; Has not been previously published as pathogenic or benign to our knowledge